The following is an entry in ClinVar:

NM_005263.5(GFI1):c.691G>T (p.Ala231Ser)

Gene: GFI1 (growth factor independent 1 transcriptional repressor; minus strand). Cytogenetic location: 1p22.1.
Variant type: single nucleotide variant.
Coding change: c.691G>T on transcript NM_005263.5 (MANE Select); coding-DNA position 691, G replaced by T.
Protein change: p.Ala231Ser; replaces alanine 231 with serine.
Molecular consequence: missense variant.
Genome position (GRCh38, 1-based): chr1:92,480,696, C>A on the plus strand (G>T on the coding strand, the complement: GFI1 is on the minus strand). VCF-style: chr1-92480696-C-A. GRCh37 (hg19) VCF-style: chr1-92946253-C-A.
Other names: c.691G>T, p.Ala231Ser (NM_001127215.3, NM_001127216.3); c.691G>T (NM_005263.3); short protein forms A231S.
Identifiers: ClinVar variation 1006342 (VCV001006342.10), dbSNP rs1268992636, ClinGen allele CA341149276.

ClinVar aggregate classification (germline): Uncertain significance. Review status: criteria provided, multiple submitters, no conflicts (2 of 4 stars). 2 submissions from 2 submitters: Uncertain significance (2). Last evaluated 2025-04-18.

Conditions:
Neutropenia, severe congenital, 2, autosomal dominant. Identifiers: Orphanet 486, MedGen C2751288, MONDO:0013139, OMIM 613107.

Allele frequency attached by ClinVar (database versions not stated): gnomAD exomes below 0.00001.

Submissions (2):

Ambry Genetics
Classification: Uncertain significance. Last evaluated: 2025-04-18. Review status: criteria provided, single submitter. Criteria: Ambry Variant Classification Scheme 2023. Collection method: clinical testing. Allele origin: germline.
Comment: The p.A231S variant (also known as c.691G>T), located in coding exon 3 of the GFI1 gene, results from a G to T substitution at nucleotide position 691. The alanine at codon 231 is replaced by serine, an amino acid with similar properties. This amino acid position is conserved. In addition, this alteration is predicted to be tolerated by in silico analysis. Based on the available evidence, the clinical significance of this variant remains unclear.

Labcorp Genetics (formerly Invitae), Labcorp
Classification: Uncertain significance for Neutropenia, severe congenital, 2, autosomal dominant. Last evaluated: 2024-12-06. Review status: criteria provided, single submitter. Criteria: Invitae Variant Classification Sherloc (09022015). Collection method: clinical testing. Allele origin: germline.
Comment: This sequence change replaces alanine, which is neutral and non-polar, with serine, which is neutral and polar, at codon 231 of the GFI1 protein (p.Ala231Ser). This variant is not present in population databases (gnomAD no frequency). This variant has not been reported in the literature in individuals affected with GFI1-related conditions. ClinVar contains an entry for this variant (Variation ID: 1006342). Invitae Evidence Modeling of protein sequence and biophysical properties (such as structural, functional, and spatial information, amino acid conservation, physicochemical variation, residue mobility, and thermodynamic stability) indicates that this missense variant is not expected to disrupt GFI1 protein function with a negative predictive value of 80%. In summary, the available evidence is currently insufficient to determine the role of this variant in disease. Therefore, it has been classified as a Variant of Uncertain Significance.